The following is an entry in ClinVar:

ClinVar aggregate classification (germline): Pathogenic (1 of 4 stars; one submission).

Conditions:
Glomuvenous malformation. Also called: VENOUS MALFORMATIONS WITH GLOMUS CELLS; GLOMANGIOMAS, MULTIPLE; GLOMUS TUMORS, MULTIPLE; Familial glomangioma. Identifiers: Orphanet 83454, MedGen C1841984, MONDO:0007672, OMIM 138000.

Submission:

ARUP Laboratories, Molecular Genetics and Genomics, ARUP Laboratories
Classification: Pathogenic for Glomuvenous malformation. Last evaluated: 2025-03-07. Review status: criteria provided, single submitter. Criteria: ARUP Molecular Germline Variant Investigation Process 2024. Collection method: clinical testing. Allele origin: germline.
Comment: The GLMN c.35_36del; p.Arg12MetfsTer10 variant, to our knowledge, is not reported in the medical literature or gene specific databases. This variant is also absent from the Genome Aggregation Database (v2.1.1), indicating it is not a common polymorphism. This variant causes a frameshift by deleting two nucleotides, so it is predicted to result in a truncated protein or mRNA subject to nonsense-mediated decay. Additionally, other nearby truncating variants in the same exon are reported in affected individuals and are considered disease-causing (Brouillard 2013). Based on available information, the c.35_36del variant is considered to be pathogenic. References: Brouillard P et al. Genotypes and phenotypes of 162 families with a glomulin mutation. Mol Syndromol. 2013 Apr;4(4):157-64. PMID: 23801931.

NM_053274.3(GLMN):c.35_36del (p.Arg12fs)

Gene: GLMN (glomulin, FKBP associated protein; minus strand). Cytogenetic location: 1p22.1.
Variant type: Microsatellite.
Coding change: c.35_36del on transcript NM_053274.3 (MANE Select); coding-DNA positions 35 to 36, 2 bases deleted (GA; older notation c.35_36delGA).
Protein change: p.Arg12fs; shifts the reading frame from arginine 12.
Molecular consequence: frameshift variant. On other transcripts: non-coding transcript variant (1).
Genome position (GRCh38, 1-based): chr1:92,297,964-92,297,965, TC deleted on the plus strand (GA on the coding strand, the reverse complement: GLMN is on the minus strand); deleting any 2 consecutive bases within chr1:92,297,964-92,297,968 gives the same sequence; the c. name uses the placement nearest the transcript's 3' end. VCF-style (leftmost placement, unchanged base first): chr1-92297963-ATC-A. GRCh37 (hg19) VCF-style: chr1-92763520-ATC-A.
Other names: c.35_36del, p.Arg12fs (NM_001319683.2); short protein forms R12fs.
Identifiers: ClinVar variation 4685667 (VCV004685667.1).